The following is an entry in ClinVar:

ClinVar aggregate classification (germline): Uncertain significance. Review status: criteria provided, multiple submitters, no conflicts (2 of 4 stars). 2 submissions from 2 submitters: Uncertain significance (2). Last evaluated 2025-08-13.

Conditions:
Inborn genetic diseases. Identifiers: MedGen C0950123, MeSH D030342.

gnomAD v4.1: 11 of 1,613,546 alleles (0.00068%); highest among the groups gnomAD compares: Non-Finnish European, 0.00093%; no homozygotes.

Submissions (2):

Ambry Genetics
Classification: Uncertain significance for Inborn genetic diseases. Last evaluated: 2025-08-13. Review status: criteria provided, single submitter. Criteria: Ambry Variant Classification Scheme 2023. Collection method: clinical testing. Allele origin: germline.

Labcorp Genetics (formerly Invitae), Labcorp
Classification: Uncertain significance. Last evaluated: 2022-11-08. Review status: criteria provided, single submitter. Criteria: Invitae Variant Classification Sherloc (09022015). Collection method: clinical testing. Allele origin: germline.
Comment: In summary, the available evidence is currently insufficient to determine the role of this variant in disease. Therefore, it has been classified as a Variant of Uncertain Significance. Algorithms developed to predict the effect of missense changes on protein structure and function (SIFT, PolyPhen-2, Align-GVGD) all suggest that this variant is likely to be disruptive. ClinVar contains an entry for this variant (Variation ID: 1512762). This missense change has been observed in individual(s) with clinical features of retinitis pigmentosa (Invitae). This variant is present in population databases (rs372321052, gnomAD 0.003%). This sequence change replaces serine, which is neutral and polar, with arginine, which is basic and polar, at codon 34 of the MPDZ protein (p.Ser34Arg).

NM_001378778.1(MPDZ):c.102C>G (p.Ser34Arg)

Gene: MPDZ (multiple PDZ domain crumbs cell polarity complex component; minus strand). Cytogenetic location: 9p23.
Variant type: single nucleotide variant.
Coding change: c.102C>G on transcript NM_001378778.1 (MANE Select); coding-DNA position 102, C replaced by G.
Protein change: p.Ser34Arg; replaces serine 34 with arginine.
Molecular consequence: missense variant.
Genome position (GRCh38, 1-based): chr9:13,247,716, G>C on the plus strand (C>G on the coding strand, the complement: MPDZ is on the minus strand). VCF-style: chr9-13247716-G-C. GRCh37 (hg19) VCF-style: chr9-13247715-G-C.
Other names: c.102C>G, p.Ser34Arg (NM_001261406.2, NM_001261407.2, NM_001330637.2 and 14 more transcripts); c.102C>G (NM_003829.3); short protein forms S34R.
Identifiers: ClinVar variation 1512762 (VCV001512762.10), dbSNP rs372321052, ClinGen allele CA4988242.